The following is an entry in ClinVar:

NM_024685.4(BBS10):c.26G>T (p.Gly9Val)

Gene: BBS10 (Bardet-Biedl syndrome 10; minus strand). Cytogenetic location: 12q21.2.
Variant type: single nucleotide variant.
Coding change: c.26G>T on transcript NM_024685.4 (MANE Select); coding-DNA position 26, G replaced by T.
Protein change: p.Gly9Val; replaces glycine 9 with valine.
Molecular consequence: missense variant.
Genome position (GRCh38, 1-based): chr12:76,348,333, C>A on the plus strand (G>T on the coding strand, the complement: BBS10 is on the minus strand). VCF-style: chr12-76348333-C-A. GRCh37 (hg19) VCF-style: chr12-76742113-C-A.
Other names: short protein forms G9V.
Identifiers: ClinVar variation 3348622 (VCV003348622.1).

ClinVar aggregate classification (germline): Uncertain significance (0 of 4 stars; one submission).

Conditions:
BBS10-related disorder. Also called: BBS10-related condition.

gnomAD v4.1: 1 of 1,602,866 alleles (0.000062%); highest among the groups gnomAD compares: Middle Eastern, 0.017%; no homozygotes.

Submission:

PreventionGenetics, part of Exact Sciences
Classification: Uncertain significance for BBS10-related condition. Last evaluated: 2023-11-02. Review status: no assertion criteria provided. Collection method: clinical testing. Allele origin: germline.
Comment: The BBS10 c.26G>T variant is predicted to result in the amino acid substitution p.Gly9Val. To our knowledge, this variant has not been reported in the literature or in a large population database, indicating this variant is rare. At this time, the clinical significance of this variant is uncertain due to the absence of conclusive functional and genetic evidence.